The following is an entry in ClinVar:

NM_001690.4(ATP6V1A):c.1744del (p.Ser582fs)

Gene: ATP6V1A (ATPase H+ transporting V1 subunit A; plus strand). Cytogenetic location: 3q13.31.
Variant type: Deletion.
Coding change: c.1744del on transcript NM_001690.4 (MANE Select); coding-DNA position 1744, one base deleted (T; older notation c.1744delT).
Protein change: p.Ser582fs; shifts the reading frame from serine 582.
Molecular consequence: frameshift variant.
Genome position (GRCh38, 1-based): chr3:113,805,508, T deleted; the last of 3 consecutive T bases (chr3:113,805,506-113,805,508); deleting any one gives the same sequence. VCF-style (leftmost placement, unchanged base first): chr3-113805505-CT-C. GRCh37 (hg19) VCF-style: chr3-113524352-CT-C.
Other names: short protein forms S582fs.
Identifiers: ClinVar variation 2706498 (VCV002706498.3), dbSNP rs2549727798, ClinGen allele CA2697556790.
Genomic context (GRCh38, chr3:113,805,505, plus strand): 5'-AGTGACAATAAAATCACATGGTCCATTATTCGTGAGCACATGGGAGACATCCTCTATAAA[CT>C]TTCCTCCATGAAATTCAAGGTATATTTTGTTTCTGCTGTAACTTTTTTTATTTGGAAATG-3'

ClinVar aggregate classification (germline): Uncertain significance (1 of 4 stars; one submission).

Submission:

Labcorp Genetics (formerly Invitae), Labcorp
Classification: Uncertain significance. Last evaluated: 2023-12-30. Review status: criteria provided, single submitter. Criteria: Invitae Variant Classification Sherloc (09022015). Collection method: clinical testing. Allele origin: germline.
Comment: This sequence change creates a premature translational stop signal (p.Ser582Profs*3) in the ATP6V1A gene. While this is not anticipated to result in nonsense mediated decay, it is expected to disrupt the last 36 amino acid(s) of the ATP6V1A protein. This variant is not present in population databases (gnomAD no frequency). This variant has not been reported in the literature in individuals affected with ATP6V1A-related conditions. Experimental studies and prediction algorithms are not available or were not evaluated, and the functional significance of this variant is currently unknown. In summary, the available evidence is currently insufficient to determine the role of this variant in disease. Therefore, it has been classified as a Variant of Uncertain Significance.